The following is an entry in ClinVar:

ClinVar aggregate classification (germline): Pathogenic (1 of 4 stars; one submission).

Conditions:
Lynch syndrome 5 (LYNCH5). Also called: Colorectal cancer, hereditary nonpolyposis, type 5; Hereditary non-polyposis colorectal cancer, type 5. Identifiers: Orphanet 144, MedGen C1833477, MONDO:0013710, OMIM 614350. Disease mechanism: loss of function.

Submission:

Myriad Genetics, Inc.
Classification: Pathogenic for Lynch syndrome 5. Last evaluated: 2023-08-11. Review status: criteria provided, single submitter. Criteria: Myriad Autosomal Dominant, Autosomal Recessive and X-Linked Classification Criteria (2023). Collection method: clinical testing. Allele origin: unknown.
Comment: This variant is considered pathogenic. This variant creates a frameshift predicted to result in premature protein truncation.

NM_000179.3(MSH6):c.1217_1220delinsATA (p.Cys406fs)

Gene: MSH6 (mutS homolog 6; plus strand). Cytogenetic location: 2p16.3.
Variant type: Indel.
Coding change: c.1217_1220delinsATA on transcript NM_000179.3 (MANE Select); coding-DNA positions 1217 to 1220, GTAC replaced by ATA.
Protein change: p.Cys406fs; shifts the reading frame from cysteine 406.
Molecular consequence: frameshift variant. On other transcripts: non-coding transcript variant (4), intron variant (1).
Genome position (GRCh38, 1-based): chr2:47,799,200-47,799,203, GTAC replaced by ATA. VCF-style: chr2-47799200-GTAC-ATA. GRCh37 (hg19) VCF-style: chr2-48026339-GTAC-ATA.
Other names: c.827_830delinsATA, p.Cys276fs (NM_001281492.2); c.311_314delinsATA, p.Cys104fs (NM_001281493.2, NM_001281494.2, NM_001406811.1 and 6 more transcripts); c.1313_1316delinsATA, p.Cys438fs (NM_001406795.1, NM_001406802.1); c.1217_1220delinsATA, p.Cys406fs (NM_001406796.1, NM_001406798.1, NM_001406800.1 and 4 more transcripts); c.920_923delinsATA, p.Cys307fs (NM_001406797.1, NM_001406801.1, NM_001406805.1 and 10 more transcripts); c.692_695delinsATA, p.Cys231fs (NM_001406799.1, NM_001406806.1, NM_001406807.1); c.1139_1142delinsATA, p.Cys380fs (NM_001406804.1); c.1223_1226delinsATA, p.Cys408fs (NM_001406813.1); and 2 more; short protein forms C104fs, C231fs, C276fs, C307fs, C350fs, C380fs, C406fs, C408fs.
Identifiers: ClinVar variation 2673732 (VCV002673732.1), dbSNP rs2530597486, ClinGen allele CA2695200558.